The following is an entry in ClinVar:

ClinVar aggregate classification (germline): Likely pathogenic. Review status: criteria provided, single submitter (1 of 4 stars). 2 submissions from 2 submitters: Likely pathogenic (1). 1 of the submissions does not count toward it. Last evaluated 2025-12-17.

Conditions:
Polycystic kidney disease 4 (PKD4). Also called: POLYCYSTIC KIDNEY DISEASE 4 WITH OR WITHOUT POLYCYSTIC LIVER DISEASE; POLYCYSTIC KIDNEY AND HEPATIC DISEASE 1; POLYCYSTIC KIDNEY DISEASE, INFANTILE, TYPE I; PKD3; Autosomal Recessive Polycystic Kidney Disease – PKHD1. Identifiers: MedGen C4540575, MONDO:0033004, OMIM 263200.
Autosomal recessive polycystic kidney disease (ARPKD). Also called: AR polycystic kidney disease. Identifiers: Orphanet 731, Orphanet 8378, MedGen C0085548, MeSH D017044, MONDO:0009889.

Submissions (2):

Natera, Inc.
Classification: Likely pathogenic for Autosomal recessive polycystic kidney disease. Last evaluated: 2025-12-17. Review status: criteria provided, single submitter. Criteria: Natera Variant Classification Schema (03/2026). Collection method: clinical testing. Allele origin: germline.
Comment: The c.11786-2del variant in PKHD1 is a canonical splice acceptor site variant predicted to affect pre-mRNA splicing, which may result in an abnormal transcript and altered protein product. This variant is expected to result in nonsense mediated decay, truncation, or a dysfunctional protein product. This variant is rare in the general population with a frequency below the threshold expected for the associated phenotype(s). Given the available evidence, this variant is classified as Likely Pathogenic.

Counsyl
Classification: Uncertain significance for Polycystic kidney disease 4. Last evaluated: 2017-11-13. Review status: no assertion criteria provided. Collection method: clinical testing. Allele origin: unknown. Not counted in ClinVar's aggregate classification.

NM_138694.4(PKHD1):c.11786-2del

Gene: PKHD1 (PKHD1 ciliary IPT domain containing fibrocystin/polyductin; minus strand). Cytogenetic location: 6p12.3.
Variant type: Deletion.
Coding change: c.11786-2del on transcript NM_138694.4 (MANE Select); the canonical splice acceptor site of the intron before coding-DNA position 11786, one base deleted (A; older notation c.11786-2delA).
Molecular consequence: splice acceptor variant.
Genome position (GRCh38, 1-based): chr6:51,619,522, T deleted on the plus strand (A on the coding strand, the reverse complement: PKHD1 is on the minus strand). VCF-style (leftmost placement, unchanged base first): chr6-51619521-CT-C. GRCh37 (hg19) VCF-style: chr6-51484319-CT-C.
Other names: c.11786-2delA (NM_138694.3); c.11786-2del (NM_138694.3).
Identifiers: ClinVar variation 555061 (VCV000555061.4), dbSNP rs1554163591, ClinGen allele CA658821689.